The following is an entry in ClinVar:

ClinVar aggregate classification (germline): Uncertain significance (1 of 4 stars; one submission).

Conditions:
Immunodeficiency 18 (IMD18). Also called: CD3-EPSILON DEFICIENCY; CD3epsilon deficiency. Identifiers: MedGen C3810127, MONDO:0014278, OMIM 615615.

Allele frequency attached by ClinVar (database versions not stated): gnomAD exomes below 0.00001; ExAC 0.00001; TOPMed 0.00003; gnomAD 0.00005 and 0.00006.
gnomAD v4.1: 19 of 1,613,482 alleles (0.0012%); highest among the groups gnomAD compares: Non-Finnish European, 0.0016%; no homozygotes.

Submission:

Labcorp Genetics (formerly Invitae), Labcorp
Classification: Uncertain significance for Immunodeficiency 18. Last evaluated: 2023-12-12. Review status: criteria provided, single submitter. Criteria: Invitae Variant Classification Sherloc (09022015). Collection method: clinical testing. Allele origin: germline.
Comment: This sequence change replaces glycine, which is neutral and non-polar, with valine, which is neutral and non-polar, at codon 167 of the CD3E protein (p.Gly167Val). This variant is present in population databases (rs745493004, gnomAD 0.002%). This variant has not been reported in the literature in individuals affected with CD3E-related conditions. ClinVar contains an entry for this variant (Variation ID: 856082). An algorithm developed to predict the effect of missense changes on protein structure and function (PolyPhen-2) suggests that this variant is likely to be disruptive. In summary, the available evidence is currently insufficient to determine the role of this variant in disease. Therefore, it has been classified as a Variant of Uncertain Significance.

NM_000733.4(CD3E):c.500G>T (p.Gly167Val)

Gene: CD3E (CD3 epsilon subunit of T-cell receptor complex; plus strand). Cytogenetic location: 11q23.3.
Variant type: single nucleotide variant.
Coding change: c.500G>T on transcript NM_000733.4 (MANE Select); coding-DNA position 500, G replaced by T.
Protein change: p.Gly167Val; replaces glycine 167 with valine.
Molecular consequence: missense variant.
Genome position (GRCh38, 1-based): chr11:118,313,854, G>T. VCF-style: chr11-118313854-G-T. GRCh37 (hg19) VCF-style: chr11-118184569-G-T.
Other names: short protein forms G167V.
Identifiers: ClinVar variation 856082 (VCV000856082.5), dbSNP rs745493004, ClinGen allele CA6301735.